The following is an entry in ClinVar:

ClinVar aggregate classification (germline): Uncertain significance (1 of 4 stars; one submission).

Conditions:
Epidermodysplasia verruciformis. Identifiers: Orphanet 302, MedGen C0014522, MONDO:0009176.

Submission:

Labcorp Genetics (formerly Invitae), Labcorp
Classification: Uncertain significance for Epidermodysplasia verruciformis. Last evaluated: 2019-07-31. Review status: criteria provided, single submitter. Criteria: Invitae Variant Classification Sherloc (09022015). Collection method: clinical testing. Allele origin: germline.
Comment: In summary, the available evidence is currently insufficient to determine the role of this variant in disease. Therefore, it has been classified as a Variant of Uncertain Significance. Algorithms developed to predict the effect of missense changes on protein structure and function are either unavailable or do not agree on the potential impact of this missense change (SIFT: "Tolerated"; PolyPhen-2: "Probably Damaging"; Align-GVGD: "Class C0"). This variant has not been reported in the literature in individuals with TMC6-related conditions. This variant is not present in population databases (ExAC no frequency). This sequence change replaces glutamic acid with glutamine at codon 568 of the TMC6 protein (p.Glu568Gln). The glutamic acid residue is moderately conserved and there is a small physicochemical difference between glutamic acid and glutamine.

NM_001127198.5(TMC6):c.1702G>C (p.Glu568Gln)

Gene: TMC6 (transmembrane channel like 6; minus strand). Cytogenetic location: 17q25.3.
Variant type: single nucleotide variant.
Coding change: c.1702G>C on transcript NM_001127198.5 (MANE Select); coding-DNA position 1702, G replaced by C.
Protein change: p.Glu568Gln; replaces glutamic acid 568 with glutamine.
Molecular consequence: missense variant. On other transcripts: intron variant (2).
Genome position (GRCh38, 1-based): chr17:78,120,666, C>G on the plus strand (G>C on the coding strand, the complement: TMC6 is on the minus strand). VCF-style: chr17-78120666-C-G. GRCh37 (hg19) VCF-style: chr17-76116747-C-G.
Other names: c.1702G>C, p.Glu568Gln (NM_001321185.1, NM_001374596.1, NM_001375353.1 and 2 more transcripts); c.1535+347G>C (NM_001374594.1, NM_001374593.1); short protein forms E568Q.
Identifiers: ClinVar variation 940762 (VCV000940762.8), dbSNP rs2074369239, ClinGen allele CA401226657.